The following is an entry in ClinVar:

NM_000337.6(SGCD):c.3+8A>G

Gene: SGCD (sarcoglycan delta; plus strand). Cytogenetic location: 5q33.3.
Variant type: single nucleotide variant.
Coding change: c.3+8A>G on transcript NM_000337.6 (MANE Select); 8 bases into the intron after coding-DNA position 3, A replaced by G.
Molecular consequence: intron variant.
Genome position (GRCh38, 1-based): chr5:156,329,587, A>G. VCF-style: chr5-156329587-A-G. GRCh37 (hg19) VCF-style: chr5-155756597-A-G.
Other names: p.?; c.-1+2355A>G (NM_001128209.2); c.3+8A>G (NM_172244.3).
Identifiers: ClinVar variation 3041895 (VCV003041895.3), dbSNP rs2481560485, ClinGen allele CA2740094153.

ClinVar aggregate classification (germline): Likely benign. Review status: criteria provided, single submitter (1 of 4 stars). 2 submissions from 2 submitters: Likely benign (1). 1 of the submissions does not count toward it. Last evaluated 2025-07-08.

Conditions:
SGCD-related disorder. Also called: SGCD-related condition.

Submissions (2):

Mayo Clinic Laboratories, Mayo Clinic
Classification: Likely benign. Last evaluated: 2025-07-08. Review status: criteria provided, single submitter. Criteria: ACMG Guidelines, 2015. Collection method: clinical testing. Allele origin: germline. Observed: 1 variant allele.
Comment: BP4, BP7, PM2_supporting

PreventionGenetics, part of Exact Sciences
Classification: Likely benign for SGCD-related condition. Last evaluated: 2019-05-08. Review status: no assertion criteria provided. Collection method: clinical testing. Allele origin: germline. Not counted in ClinVar's aggregate classification.
Comment: This variant is classified as likely benign based on ACMG/AMP sequence variant interpretation guidelines (Richards et al. 2015 PMID: 25741868, with internal and published modifications).